The following is an entry in ClinVar:

ClinVar aggregate classification (germline): Uncertain significance. Review status: criteria provided, multiple submitters, no conflicts (2 of 4 stars). 2 submissions from 2 submitters: Uncertain significance (2). Last evaluated 2024-10-08.

Allele frequency attached by ClinVar (database versions not stated): gnomAD exomes below 0.00001 and 0.00001; ExAC 0.00001; gnomAD 0.00003 and 0.00004; TOPMed 0.00005.
gnomAD v4.1: 9 of 1,611,832 alleles (0.00056%); highest among the groups gnomAD compares: African/African-American, 0.011%; no homozygotes.

Submissions (2):

Blueprint Genetics
Classification: Uncertain significance. Last evaluated: 2024-10-08. Review status: criteria provided, single submitter. Criteria: ACMG Guidelines, 2015. Collection method: clinical testing. Allele origin: germline.

Labcorp Genetics (formerly Invitae), Labcorp
Classification: Uncertain significance. Last evaluated: 2021-08-20. Review status: criteria provided, single submitter. Criteria: Invitae Variant Classification Sherloc (09022015). Collection method: clinical testing. Allele origin: germline.
Comment: This sequence change replaces tyrosine with cysteine at codon 858 of the GPR179 protein (p.Tyr858Cys). The tyrosine residue is moderately conserved and there is a large physicochemical difference between tyrosine and cysteine. This variant is present in population databases (rs778888723, ExAC 0.01%). This variant has not been reported in the literature in individuals affected with GPR179-related conditions. Algorithms developed to predict the effect of missense changes on protein structure and function are either unavailable or do not agree on the potential impact of this missense change (SIFT: "Deleterious"; PolyPhen-2: "Benign"; Align-GVGD: "Class C0"). In summary, the available evidence is currently insufficient to determine the role of this variant in disease. Therefore, it has been classified as a Variant of Uncertain Significance.

NM_001004334.4(GPR179):c.2573A>G (p.Tyr858Cys)

Gene: GPR179 (G protein-coupled receptor 179; minus strand). Cytogenetic location: 17q12.
Variant type: single nucleotide variant.
Coding change: c.2573A>G on transcript NM_001004334.4 (MANE Select); coding-DNA position 2573, A replaced by G.
Protein change: p.Tyr858Cys; replaces tyrosine 858 with cysteine.
Molecular consequence: missense variant.
Genome position (GRCh38, 1-based): chr17:38,330,996, T>C on the plus strand (A>G on the coding strand, the complement: GPR179 is on the minus strand). VCF-style: chr17-38330996-T-C. GRCh37 (hg19) VCF-style: chr17-36486879-T-C.
Other names: short protein forms Y858C.
Identifiers: ClinVar variation 1044611 (VCV001044611.7), dbSNP rs778888723, ClinGen allele CA290105715.